The following is an entry in ClinVar:

ClinVar aggregate classification (germline): Uncertain significance (1 of 4 stars; one submission).

Conditions:
Deafness-lymphedema-leukemia syndrome. Also called: Emberger syndrome; Lymphedema, primary, with myelodysplasia. Identifiers: Orphanet 3226, MedGen C3279664, MONDO:0013540, OMIM 614038.
Monocytopenia with susceptibility to infections. Also called: MONOCYTOPENIA AND MYCOBACTERIAL INFECTION SYNDROME; MONOCYTOPENIA WITH SUSCEPTIBILITY TO MYCOBACTERIAL, FUNGAL, AND PAPILLOMAVIRUS INFECTIONS AND MYELODYSPLASIA; COMBINED IMMUNODEFICIENCY WITH SUSCEPTIBILITY TO MYCOBACTERIAL, VIRAL, AND FUNGAL INFECTIONS; Dendritic cell, monocyte, B lymphocyte, and natural killer lymphocyte deficiency; IMMUNODEFICIENCY 21; GATA2 DEFICIENCY. Identifiers: Orphanet 228423, MedGen C3280030, MONDO:0013607, OMIM 614172.

Submission:

Labcorp Genetics (formerly Invitae), Labcorp
Classification: Uncertain significance for Monocytopenia with susceptibility to infections; Deafness-lymphedema-leukemia syndrome. Last evaluated: 2020-09-19. Review status: criteria provided, single submitter. Criteria: Invitae Variant Classification Sherloc (09022015). Collection method: clinical testing. Allele origin: germline.
Comment: This variant has not been reported in the literature in individuals with GATA2-related conditions. In summary, the available evidence is currently insufficient to determine the role of this variant in disease. Therefore, it has been classified as a Variant of Uncertain Significance. Advanced modeling of protein sequence and biophysical properties (such as structural, functional, and spatial information, amino acid conservation, physicochemical variation, residue mobility, and thermodynamic stability) performed at Invitae indicates that this missense variant is not expected to disrupt GATA2 protein function. This variant is not present in population databases (ExAC no frequency). This sequence change replaces serine with asparagine at codon 186 of the GATA2 protein (p.Ser186Asn). The serine residue is moderately conserved and there is a small physicochemical difference between serine and asparagine.

NM_032638.5(GATA2):c.557G>A (p.Ser186Asn)

Gene: GATA2 (GATA binding protein 2; minus strand). Cytogenetic location: 3q21.3.
Variant type: single nucleotide variant.
Coding change: c.557G>A on transcript NM_032638.5 (MANE Select); coding-DNA position 557, G replaced by A.
Protein change: p.Ser186Asn; replaces serine 186 with asparagine.
Molecular consequence: missense variant.
Genome position (GRCh38, 1-based): chr3:128,486,041, C>T on the plus strand (G>A on the coding strand, the complement: GATA2 is on the minus strand). VCF-style: chr3-128486041-C-T. GRCh37 (hg19) VCF-style: chr3-128204884-C-T.
Other names: c.557G>A, p.Ser186Asn (NM_001145662.1, NM_001145661.2); short protein forms S186N.
Identifiers: ClinVar variation 1062932 (VCV001062932.9), dbSNP rs2107672374, ClinGen allele CA354406521.